The following is an entry in ClinVar:

NM_001042492.3(NF1):c.6246del (p.Arg2083fs)

Gene: NF1 (neurofibromin 1; plus strand). Cytogenetic location: 17q11.2.
Variant type: Deletion.
Coding change: c.6246del on transcript NM_001042492.3 (MANE Select); coding-DNA position 6246, one base deleted (A; older notation c.6246delA).
Protein change: p.Arg2083fs; shifts the reading frame from arginine 2083.
Molecular consequence: frameshift variant.
Genome position (GRCh38, 1-based): chr17:31,336,733, A deleted. VCF-style (leftmost placement, unchanged base first): chr17-31336732-CA-C. GRCh37 (hg19) VCF-style: chr17-29663750-CA-C.
Other names: c.6183delA, p.Arg2062Alafs (NM_000267.4); short protein forms R2062fs, R2083fs.
Identifiers: ClinVar variation 811798 (VCV000811798.11), dbSNP rs1597842843, ClinGen allele CA915949914.

ClinVar aggregate classification (germline): Pathogenic. Review status: criteria provided, multiple submitters, no conflicts (2 of 4 stars). 2 submissions from 2 submitters: Pathogenic (2). Last evaluated 2022-12-31.

Conditions:
Neurofibromatosis, type 1 (NF1). Also called: Peripheral type neurofibromatosis; NEUROFIBROMATOSIS, TYPE I, SOMATIC; Neurofibromatosis, type I; VON RECKLINGHAUSEN DISEASE. Identifiers: Orphanet 636, MedGen C0027831, MONDO:0018975, OMIM 162200. Disease mechanism: loss of function.

Submissions (2):

Labcorp Genetics (formerly Invitae), Labcorp
Classification: Pathogenic for Neurofibromatosis, type 1. Last evaluated: 2022-12-31. Review status: criteria provided, single submitter. Criteria: Invitae Variant Classification Sherloc (09022015). Collection method: clinical testing. Allele origin: germline.
Comment: ClinVar contains an entry for this variant (Variation ID: 811798). This variant has not been reported in the literature in individuals affected with NF1-related conditions. For these reasons, this variant has been classified as Pathogenic. This variant is not present in population databases (gnomAD no frequency). This sequence change creates a premature translational stop signal (p.Arg2062Alafs*4) in the NF1 gene. It is expected to result in an absent or disrupted protein product. Loss-of-function variants in NF1 are known to be pathogenic (PMID: 10712197, 23913538).

ARUP Laboratories, Molecular Genetics and Genomics, ARUP Laboratories
Classification: Pathogenic. Last evaluated: 2018-10-10. Review status: criteria provided, single submitter. Criteria: ARUP Molecular Germline Variant Investigation Process. Collection method: clinical testing. Allele origin: germline.
Comment: The NF1 c.6246delA; p.Arg2083fs variant, to our knowledge, is not described in the medical literature or in gene-specific databases. It is also absent from general population databases (1000 Genomes Project, Exome Variant Server, and Genome Aggregation Database), indicating it is not a common polymorphism. This variant causes a frameshift by deleting a single nucleotide, so it is predicted to result in a truncated protein or mRNA subject to nonsense-mediated decay. Additionally, several downstream truncating variants have been described in association with neurofibromatosis type 1 and are considered pathogenic (Bianchessi 2015, Fahsold 2000, Sabbagh 2013). Based on available information, the p.Arg2083fs variant is considered pathogenic. REFERENCES Bianchessi D et al. 126 novel mutations in Italian patients with neurofibromatosis type 1. Mol Genet Genomic Med. 2015 Jul 7;3(6):513-25. Fahsold R et al. Minor lesion mutational spectrum of the entire NF1 gene does not explain its high mutability but points to a functional domain upstream of the GAP-related domain. Am J Hum Genet. 2000 Mar;66(3):790-818. Sabbagh A et al. NF1 molecular characterization and neurofibromatosis type I genotype-phenotype correlation: the French experience. Hum Mutat. 2013 Nov;34(11):1510-8.

Literature cited by the submitters: PubMed 10712197 (cited by Labcorp Genetics (formerly Invitae), Labcorp); PubMed 23913538 (cited by Labcorp Genetics (formerly Invitae), Labcorp).